The following is an entry in ClinVar:

NM_004423.4(DVL3):c.3G>T (p.Met1Ile)

Gene: DVL3 (dishevelled segment polarity protein 3; plus strand). Cytogenetic location: 3q27.1.
Variant type: single nucleotide variant.
Coding change: c.3G>T on transcript NM_004423.4 (MANE Select); coding-DNA position 3, G replaced by T.
Protein change: p.Met1Ile; changes the start codon (methionine 1).
Molecular consequence: missense variant, initiator codon variant.
Genome position (GRCh38, 1-based): chr3:184,155,638, G>T. VCF-style: chr3-184155638-G-T. GRCh37 (hg19) VCF-style: chr3-183873426-G-T.
Other names: short protein forms M1I.
Identifiers: ClinVar variation 2847207 (VCV002847207.3), dbSNP rs2473687261, ClinGen allele CA355399073.

ClinVar aggregate classification (germline): Uncertain significance (1 of 4 stars; one submission).

Submission:

Labcorp Genetics (formerly Invitae), Labcorp
Classification: Uncertain significance. Last evaluated: 2023-03-18. Review status: criteria provided, single submitter. Criteria: Invitae Variant Classification Sherloc (09022015). Collection method: clinical testing. Allele origin: germline.
Comment: In summary, the available evidence is currently insufficient to determine the role of this variant in disease. Therefore, it has been classified as a Variant of Uncertain Significance. Experimental studies and prediction algorithms are not available or were not evaluated, and the functional significance of this variant is currently unknown. This variant has not been reported in the literature in individuals affected with DVL3-related conditions. This variant is not present in population databases (gnomAD no frequency). This sequence change affects the initiator methionine of the DVL3 mRNA. The next in-frame methionine is located at codon 49.